The following is an entry in ClinVar:

ClinVar aggregate classification (germline): Uncertain significance (1 of 4 stars; one submission).

Conditions:
Early-infantile DEE. Also called: Ohtahara syndrome; Early infantile epileptic encephalopathy with suppression bursts; Early infantile epileptic encephalopathy. Identifiers: Orphanet 1934, MedGen C0393706, MONDO:0800491.

gnomAD v4.1: 46 of 1,613,934 alleles (0.0029%); highest among the groups gnomAD compares: Non-Finnish European, 0.0037%; no homozygotes.

Submission:

Labcorp Genetics (formerly Invitae), Labcorp
Classification: Uncertain significance for Early-infantile DEE. Last evaluated: 2025-05-07. Review status: criteria provided, single submitter. Criteria: Invitae Variant Classification Sherloc (09022015). Collection method: clinical testing. Allele origin: germline.
Comment: This sequence change replaces alanine, which is neutral and non-polar, with valine, which is neutral and non-polar, at codon 199 of the KCNH5 protein (p.Ala199Val). This variant is present in population databases (rs766301535, gnomAD 0.005%). This variant has not been reported in the literature in individuals affected with KCNH5-related conditions. Invitae Evidence Modeling of protein sequence and biophysical properties (such as structural, functional, and spatial information, amino acid conservation, physicochemical variation, residue mobility, and thermodynamic stability) indicates that this missense variant is not expected to disrupt KCNH5 protein function with a negative predictive value of 80%. In summary, the available evidence is currently insufficient to determine the role of this variant in disease. Therefore, it has been classified as a Variant of Uncertain Significance.

NM_139318.5(KCNH5):c.596C>T (p.Ala199Val)

Gene: KCNH5 (potassium voltage-gated channel subfamily H member 5; minus strand). Cytogenetic location: 14q23.2.
Variant type: single nucleotide variant.
Coding change: c.596C>T on transcript NM_139318.5 (MANE Select); coding-DNA position 596, C replaced by T.
Protein change: p.Ala199Val; replaces alanine 199 with valine.
Molecular consequence: missense variant.
Genome position (GRCh38, 1-based): chr14:62,981,218, G>A on the plus strand (C>T on the coding strand, the complement: KCNH5 is on the minus strand). VCF-style: chr14-62981218-G-A. GRCh37 (hg19) VCF-style: chr14-63447936-G-A.
Other names: c.596C>T, p.Ala199Val (NM_172375.3); short protein forms A199V.
Identifiers: ClinVar variation 4776357 (VCV004776357.1).